The following is an entry in ClinVar:

NM_000342.4(SLC4A1):c.1172C>T (p.Pro391Leu)

Gene: SLC4A1 (solute carrier family 4 member 1 (Diego blood group); minus strand). Cytogenetic location: 17q21.31.
Variant type: single nucleotide variant.
Coding change: c.1172C>T on transcript NM_000342.4 (MANE Select); coding-DNA position 1172, C replaced by T.
Protein change: p.Pro391Leu; replaces proline 391 with leucine.
Molecular consequence: missense variant.
Genome position (GRCh38, 1-based): chr17:44,258,096, G>A on the plus strand (C>T on the coding strand, the complement: SLC4A1 is on the minus strand). VCF-style: chr17-44258096-G-A. GRCh37 (hg19) VCF-style: chr17-42335464-G-A.
Other names: c.1172C>T (NM_000342.3); short protein forms P391L.
Identifiers: ClinVar variation 2647829 (VCV002647829.30), dbSNP rs761704181, ClinGen allele CA8600355.

ClinVar aggregate classification (germline): Uncertain significance. Review status: criteria provided, multiple submitters, no conflicts (2 of 4 stars). 5 submissions from 5 submitters: Uncertain significance (5). Last evaluated 2025-08-05.

Conditions:
Hereditary spherocytosis type 4. Also called: SLC4A1-Related Spherocytosis. Identifiers: Orphanet 822, MedGen C2675212, MONDO:0012981, OMIM 612653.
BLOOD GROUP, WALDNER (WD). Also called: WALDNER BLOOD GROUP ANTIGEN. Identifiers: MedGen C1862191, OMIM 112010.
BLOOD GROUP--SWANN SYSTEM (SW). Also called: SWANN BLOOD GROUP. Identifiers: MedGen C1832169, OMIM 601550.
Malaria, susceptibility to. Identifiers: Orphanet 673, MedGen C1970028, MONDO:0021024, OMIM 611162.
Autosomal dominant distal renal tubular acidosis (DRTA1). Also called: RTA, CLASSIC TYPE; RTA, DISTAL TYPE, AUTOSOMAL DOMINANT; RTA, GRADIENT TYPE; Renal Tubular Acidosis, Type I; RENAL TUBULAR ACIDOSIS, DISTAL, 1. Identifiers: Orphanet 93608, MedGen CN280572, MONDO:0008368, OMIM 179800.
Southeast Asian ovalocytosis. Also called: HE, STOMATOCYTIC; Stomatocytic elliptocytosis, hereditary; Ovalocytosis, Malaysian-Melanesian-Filipino type; Elliptocytosis 4. Identifiers: Orphanet 98868, MedGen C1862322, MONDO:0008165, OMIM 166900.
BLOOD GROUP--DIEGO SYSTEM (DI). Identifiers: MedGen C1292286, OMIM 110500.
BLOOD GROUP--WRIGHT ANTIGEN (WR). Identifiers: MedGen C1862190, OMIM 112050.
Cryohydrocytosis. Also called: STOMATOCYTOSIS, COLD-SENSITIVE; CRYOHYDROCYTOSIS DUE TO BAND 3 HEMEL; CRYOHYDROCYTOSIS DUE TO BAND 3 HURSTPIERPOINT; CRYOHYDROCYTOSIS DUE TO BAND 3 BLACKBURN; Hereditary cryohydrocytosis with normal stomatin. Identifiers: Orphanet 398088, MedGen C1861453, MONDO:0008494, OMIM 185020.
Renal tubular acidosis, distal, 4, with hemolytic anemia. Also called: Renal Tubular Acidosis, Distal, with Hemolytic Anemia. Identifiers: Orphanet 93610, MedGen C5436235, MONDO:0012700, OMIM 611590.
BLOOD GROUP--FROESE (FR). Also called: FROESE BLOOD GROUP ANTIGEN. Identifiers: MedGen C1832168, OMIM 601551.
Inborn genetic diseases. Identifiers: MedGen C0950123, MeSH D030342.

Allele frequency attached by ClinVar (database versions not stated): ExAC 0.00002; gnomAD 0.00003; TOPMed 0.00004; gnomAD exomes 0.00005.
gnomAD v4.1: 70 of 1,613,992 alleles (0.0043%); highest among the groups gnomAD compares: Non-Finnish European, 0.0058%; no homozygotes.

Submissions (5):

Ambry Genetics
Classification: Uncertain significance for Inborn genetic diseases. Last evaluated: 2025-08-05. Review status: criteria provided, single submitter. Criteria: Ambry Variant Classification Scheme 2023. Collection method: clinical testing. Allele origin: germline.

Labcorp Genetics (formerly Invitae), Labcorp
Classification: Uncertain significance. Last evaluated: 2024-07-06. Review status: criteria provided, single submitter. Criteria: Invitae Variant Classification Sherloc (09022015). Collection method: clinical testing. Allele origin: germline.
Comment: This sequence change replaces proline, which is neutral and non-polar, with leucine, which is neutral and non-polar, at codon 391 of the SLC4A1 protein (p.Pro391Leu). This variant is present in population databases (rs761704181, gnomAD 0.01%). This variant has not been reported in the literature in individuals affected with SLC4A1-related conditions. ClinVar contains an entry for this variant (Variation ID: 2647829). Advanced modeling of protein sequence and biophysical properties (such as structural, functional, and spatial information, amino acid conservation, physicochemical variation, residue mobility, and thermodynamic stability) has been performed at Invitae for this missense variant, however the output from this modeling did not meet the statistical confidence thresholds required to predict the impact of this variant on SLC4A1 protein function. In summary, the available evidence is currently insufficient to determine the role of this variant in disease. Therefore, it has been classified as a Variant of Uncertain Significance.

Fulgent Genetics
Classification: Uncertain significance for BLOOD GROUP--DIEGO SYSTEM; BLOOD GROUP, WALDNER; BLOOD GROUP--WRIGHT ANTIGEN; Southeast Asian ovalocytosis; Autosomal dominant distal renal tubular acidosis; Cryohydrocytosis; BLOOD GROUP--SWANN SYSTEM; BLOOD GROUP--FROESE; Malaria, susceptibility to; Renal tubular acidosis, distal, 4, with hemolytic anemia; Hereditary spherocytosis type 4. Last evaluated: 2024-05-10. Review status: criteria provided, single submitter. Criteria: ACMG Guidelines, 2015. Collection method: clinical testing. Allele origin: germline.

Revvity Omics, Revvity
Classification: Uncertain significance. Last evaluated: 2023-09-11. Review status: criteria provided, single submitter. Criteria: ACMG Guidelines, 2015. Collection method: clinical testing. Allele origin: germline.

CeGaT Center for Human Genetics Tuebingen
Classification: Uncertain significance. Last evaluated: 2022-08-01. Review status: criteria provided, single submitter. Criteria: CeGaT Center For Human Genetics Tuebingen Variant Classification Criteria Version 2. Collection method: clinical testing. Allele origin: germline. Affected: yes. Observed: 1 variant allele.